The following is an entry in ClinVar:

ClinVar aggregate classification (germline): Likely pathogenic (1 of 4 stars; one submission).

Conditions:
Neurodevelopmental disorder with language impairment, autism, and attention deficit-hyperactivity disorder. Identifiers: MedGen C5935603, MONDO:0968945, OMIM 620782.

Submission:

Variantyx, Inc.
Classification: Likely pathogenic for Neurodevelopmental disorder with language impairment, autism, and attention deficit-hyperactivity disorder. Last evaluated: 2025-12-28. Review status: criteria provided, single submitter. Criteria: Variantyx Assertion Criteria 2022. Collection method: clinical testing. Allele origin: germline. Inheritance: Autosomal dominant inheritance. Affected: yes.
Comment: This is a nonsense variant in the CAPRIN1 gene (OMIM: 601178). Pathogenic variants in this gene have been associated with autosomal dominant CAPRIN1-associated complex neurodevelopmental disorder. This variant introduces a premature termination codon in exon 2 out of 19 and is expected to result in loss of function, which is a known disease mechanism for CAPRIN1 in this disorder (PMID: 35979925) (PVS1). It has a 0.0001% maximum allele frequency in non-founder control populations (PM2) and it has not been reported in individuals with CAPRIN1-related disorders in the databases available for review. Based on the current evidence, this variant is classified as likely pathogenic for autosomal dominant CAPRIN1-associated complex neurodevelopmental disorder. Inheritance from an unaffected parent or a parent with unknown affected status has been reported, consistent with incomplete penetrance (PMID:34312540, 35979925).

Literature cited by the submitters: PubMed 35979925.

NM_005898.5(CAPRIN1):c.91G>T (p.Gly31Ter)

Genes: CAPRIN1 (cell cycle associated protein 1; plus strand), LOC101929918 (uncharacterized LOC101929918; minus strand). Cytogenetic location: 11p13.
Variant type: single nucleotide variant.
Coding change: c.91G>T on transcript NM_005898.5 (MANE Select); coding-DNA position 91, G replaced by T.
Protein change: p.Gly31Ter; replaces glycine 31 with a stop codon.
Molecular consequence: nonsense.
Genome position (GRCh38, 1-based): chr11:34,052,511, G>T. VCF-style: chr11-34052511-G-T. GRCh37 (hg19) VCF-style: chr11-34074058-G-T.
Other names: c.91G>T, p.Gly31Ter (NM_203364.3); short protein forms G31*.
Identifiers: ClinVar variation 4850119 (VCV004850119.1).